The following is an entry in ClinVar:

NM_000702.4(ATP1A2):c.2485A>G (p.Met829Val)

Gene: ATP1A2 (ATPase Na+/K+ transporting subunit alpha 2; plus strand). Cytogenetic location: 1q23.2.
Variant type: single nucleotide variant.
Coding change: c.2485A>G on transcript NM_000702.4 (MANE Select); coding-DNA position 2485, A replaced by G.
Protein change: p.Met829Val; replaces methionine 829 with valine.
Molecular consequence: missense variant.
Genome position (GRCh38, 1-based): chr1:160,136,292, A>G. VCF-style: chr1-160136292-A-G. GRCh37 (hg19) VCF-style: chr1-160106082-A-G.
Other names: short protein forms M829V.
Identifiers: ClinVar variation 1347948 (VCV001347948.8), dbSNP rs2101995847, ClinGen allele CA343251362.
Genomic context (GRCh38, chr1:160,136,292, plus strand): 5'-TCCTACCCCACACAGGTCCCTGCCATCTCCTTGGCCTATGAGGCAGCTGAGAGTGATATC[A>G]TGAAGCGGCAGCCACGAAACTCCCAGACGGACAAGCTGGTGAATGAGAGGCTCATCAGCA-3'
Protein context (NP_000693.1, residues 819-839): LAYEAAESDI[Met829Val]KRQPRNSQTD

ClinVar aggregate classification (germline): Likely pathogenic (1 of 4 stars; one submission).

Conditions:
Familial hemiplegic migraine. Identifiers: MedGen C0338484, MONDO:0000700.

Submission:

Labcorp Genetics (formerly Invitae), Labcorp
Classification: Likely pathogenic for Familial hemiplegic migraine. Last evaluated: 2022-06-20. Review status: criteria provided, single submitter. Criteria: Invitae Variant Classification Sherloc (09022015). Collection method: clinical testing. Allele origin: germline.
Comment: This sequence change replaces methionine, which is neutral and non-polar, with valine, which is neutral and non-polar, at codon 829 of the ATP1A2 protein (p.Met829Val). This variant is not present in population databases (gnomAD no frequency). This variant has not been reported in the literature in individuals affected with ATP1A2-related conditions. Advanced modeling of protein sequence and biophysical properties (such as structural, functional, and spatial information, amino acid conservation, physicochemical variation, residue mobility, and thermodynamic stability) performed at Invitae indicates that this missense variant is expected to disrupt ATP1A2 protein function. This variant disrupts the p.Met829 amino acid residue in ATP1A2. Other variant(s) that disrupt this residue have been determined to be pathogenic (PMID: 16088919, 18728015, 24704353). This suggests that this residue is clinically significant, and that variants that disrupt this residue are likely to be disease-causing. In summary, the currently available evidence indicates that the variant is pathogenic, but additional data are needed to prove that conclusively. Therefore, this variant has been classified as Likely Pathogenic.

Literature cited by the submitters: PubMed 16088919; PubMed 18728015; PubMed 24704353.